The following is an entry in ClinVar:

NM_005055.5(RAPSN):c.821G>A (p.Ser274Asn)

Gene: RAPSN (receptor associated protein of the synapse; minus strand). Cytogenetic location: 11p11.2.
Variant type: single nucleotide variant.
Coding change: c.821G>A on transcript NM_005055.5 (MANE Select); coding-DNA position 821, G replaced by A.
Protein change: p.Ser274Asn; replaces serine 274 with asparagine.
Molecular consequence: missense variant. On other transcripts: intron variant (1).
Genome position (GRCh38, 1-based): chr11:47,441,702, C>T on the plus strand (G>A on the coding strand, the complement: RAPSN is on the minus strand). VCF-style: chr11-47441702-C-T. GRCh37 (hg19) VCF-style: chr11-47463254-C-T.
Other names: c.789+121G>A (NM_032645.5); short protein forms S274N.
Identifiers: ClinVar variation 304973 (VCV000304973.54), dbSNP rs140996453, ClinGen allele CA5976611.

ClinVar aggregate classification (germline): Conflicting classifications of pathogenicity. Review status: criteria provided, conflicting classifications (1 of 4 stars). 8 submissions from 7 submitters: Uncertain significance (4); Likely benign (2). 2 of the submissions do not count toward it. Last evaluated 2026-01-28.

Conditions:
Congenital myasthenic syndrome 11. Also called: MYASTHENIC SYNDROME, CONGENITAL, Ie; Myasthenic syndrome, congenital, 11, associated with acetylcholine receptor deficiency. Identifiers: Orphanet 590, MedGen C4225367, MONDO:0014588, OMIM 616326.
Fetal akinesia deformation sequence 1 (FADS1). Also called: Fetal akinesia sequence; Pena-Shokeir syndrome type I. Identifiers: Orphanet 994, MedGen C1276035, MONDO:0100101, OMIM 208150, HP:0001989.
RAPSN-related disorder. Also called: RAPSN-related condition; RAPSN-related disorders. Identifiers: MedGen CN239397.
Congenital myasthenic syndrome (CMS). Also called: Congenital Myasthenic Syndromes. Identifiers: Orphanet 590, MedGen C0751882, MeSH D020294, MONDO:0018940.

Allele frequency attached by ClinVar (database versions not stated): gnomAD 0.00138 and 0.00133; ESP Exome Variant Server 0.00154; gnomAD exomes 0.00184 and 0.00108; 1000 Genomes Project 0.00060; 1000 Genomes Project 30x 0.00062; TOPMed 0.00113; ExAC 0.00137.
gnomAD v4.1: 2,846 of 1,609,198 alleles (0.18%); highest among the groups gnomAD compares: Non-Finnish European, 0.23%; 4 homozygotes.

Submissions (8):

Labcorp Genetics (formerly Invitae), Labcorp
Classification: Likely benign for Congenital myasthenic syndrome 11; Fetal akinesia deformation sequence 1. Last evaluated: 2026-01-28. Review status: criteria provided, single submitter. Criteria: Invitae Variant Classification Sherloc (09022015). Collection method: clinical testing. Allele origin: germline.

Blueprint Genetics
Classification: Likely benign. Last evaluated: 2024-11-08. Review status: criteria provided, single submitter. Criteria: ACMG Guidelines, 2015. Collection method: clinical testing. Allele origin: germline.

CeGaT Center for Human Genetics Tuebingen
Classification: Uncertain significance. Last evaluated: 2024-02-01. Review status: criteria provided, single submitter. Criteria: CeGaT Center For Human Genetics Tuebingen Variant Classification Criteria Version 2. Collection method: clinical testing. Allele origin: germline. Affected: yes. Observed: 2 variant alleles.

Fulgent Genetics
Classification: Uncertain significance for Fetal akinesia deformation sequence 1; Congenital myasthenic syndrome 11. Last evaluated: 2018-10-31. Review status: criteria provided, single submitter. Criteria: ACMG Guidelines, 2015. Collection method: clinical testing. Allele origin: unknown.

Illumina Laboratory Services, Illumina
Classification: Uncertain significance for Congenital myasthenic syndrome 11. Last evaluated: 2018-01-13. Review status: criteria provided, single submitter. Criteria: ICSL Variant Classification Criteria 13 December 2019. Collection method: clinical testing. Allele origin: germline.

Illumina Laboratory Services, Illumina
Classification: Uncertain significance for Fetal akinesia deformation sequence 1. Last evaluated: 2018-01-13. Review status: criteria provided, single submitter. Criteria: ICSL Variant Classification Criteria 13 December 2019. Collection method: clinical testing. Allele origin: germline.

PreventionGenetics, part of Exact Sciences
Classification: Likely benign for RAPSN-related condition. Last evaluated: 2022-04-22. Review status: no assertion criteria provided. Collection method: clinical testing. Allele origin: germline. Not counted in ClinVar's aggregate classification.
Comment: This variant is classified as likely benign based on ACMG/AMP sequence variant interpretation guidelines (Richards et al. 2015 PMID: 25741868, with internal and published modifications).

Natera, Inc.
Classification: Likely benign for Congenital myasthenic syndrome. Last evaluated: 2019-11-11. Review status: no assertion criteria provided. Collection method: clinical testing. Allele origin: germline. Not counted in ClinVar's aggregate classification.